The following is an entry in ClinVar:

NM_017777.4(MKS1):c.1318G>A (p.Gly440Ser)

Gene: MKS1 (MKS transition zone complex subunit 1; minus strand). Cytogenetic location: 17q22.
Variant type: single nucleotide variant.
Coding change: c.1318G>A on transcript NM_017777.4 (MANE Select); coding-DNA position 1318, G replaced by A.
Protein change: p.Gly440Ser; replaces glycine 440 with serine.
Molecular consequence: missense variant. On other transcripts: intron variant (1).
Genome position (GRCh38, 1-based): chr17:58,207,174, C>T on the plus strand (G>A on the coding strand, the complement: MKS1 is on the minus strand). VCF-style: chr17-58207174-C-T. GRCh37 (hg19) VCF-style: chr17-56284535-C-T.
Other names: c.709G>A, p.Gly237Ser (NM_001321268.2); c.1318G>A, p.Gly440Ser (NM_001321269.2); c.1273+720G>A (NM_001330397.2); short protein forms G440S, G237S.
Identifiers: ClinVar variation 3582345 (VCV003582345.2).

ClinVar aggregate classification (germline): Uncertain significance. Review status: criteria provided, multiple submitters, no conflicts (2 of 4 stars). 2 submissions from 2 submitters: Uncertain significance (2). Last evaluated 2025-10-31.

Conditions:
MKS1-related disorder. Also called: MKS1-related condition; MKS1-related disorders. Identifiers: MedGen CN239382.
Bardet-Biedl syndrome 13 (BBS13). Identifiers: Orphanet 110, MedGen C2673873, MONDO:0014441, OMIM 615990.
Meckel syndrome, type 1 (MKS1). Also called: MECKEL-GRUBER SYNDROME, TYPE 1. Identifiers: Orphanet 564, MedGen C3714506, MONDO:0009571, OMIM 249000.
Joubert syndrome 28 (JBTS28). Identifiers: MedGen C4310705, MONDO:0014928, OMIM 617121.

gnomAD v4.1: 3 of 1,614,174 alleles (0.00019%); highest among the groups gnomAD compares: Non-Finnish European, 0.00025%; no homozygotes.

Submissions (2):

PreventionGenetics, part of Exact Sciences
Classification: Uncertain significance for MKS1-related condition. Last evaluated: 2025-10-31. Review status: criteria provided, single submitter. Criteria: ACMG Guidelines, 2015. Collection method: clinical testing. Allele origin: germline.
Comment: The MKS1 c.1318G>A variant is predicted to result in the amino acid substitution p.Gly440Ser. This variant was reported in an individual with Bardet-Biedl syndrome; however, the individual was homozygous for a pathogenic variant in BBS1 (Table S5, Perea-Romero et al. 2022. PubMed ID: 35835773).This variant is reported in 0.00088% of alleles in individuals of European (Non-Finnish) descent in gnomAD. Although we suspect that this variant may be benign, at this time, the clinical significance of this variant is uncertain due to the absence of conclusive functional and genetic evidence.

Fulgent Genetics
Classification: Uncertain significance for Meckel syndrome, type 1; Bardet-Biedl syndrome 13; Joubert syndrome 28. Last evaluated: 2024-04-22. Review status: criteria provided, single submitter. Criteria: ACMG Guidelines, 2015. Collection method: clinical testing. Allele origin: germline.